The following is an entry in ClinVar:

ClinVar aggregate classification (germline): Pathogenic (1 of 4 stars; one submission).

Conditions:
ERCC2-related disorder. Also called: ERCC2-related conditions; ERCC2-related condition; ERCC2-related disorders. Identifiers: MedGen CN239291.

Submission:

Myriad Genetics, Inc.
Classification: Pathogenic for ERCC2-related disorder. Last evaluated: 2026-03-28. Review status: criteria provided, single submitter. Criteria: Myriad Autosomal Dominant, Autosomal Recessive and X-Linked Classification Criteria (2023). Collection method: clinical testing. Allele origin: unknown.
Comment: NM_000400.3(ERCC2):c.54C>G(Y18*) is expected to be pathogenic in the context of ERCC2-related disorders. This variant is predicted to lead to an abnormal or absent protein product due to the creation of a premature termination codon in ERCC2, a gene where loss-of-function variants are known to be pathogenic. Please note: this variant was assessed in the context of healthy population screening.

NM_000400.4(ERCC2):c.54C>G (p.Tyr18Ter)

Gene: ERCC2 (ERCC excision repair 2, TFIIH core complex helicase subunit; minus strand). Cytogenetic location: 19q13.32.
Variant type: single nucleotide variant.
Coding change: c.54C>G on transcript NM_000400.4 (MANE Select); coding-DNA position 54, C replaced by G.
Protein change: p.Tyr18Ter; replaces tyrosine 18 with a stop codon.
Molecular consequence: nonsense. On other transcripts: 5 prime UTR variant (2), non-coding transcript variant (3), intron variant (1).
Genome position (GRCh38, 1-based): chr19:45,370,184, G>C on the plus strand (C>G on the coding strand, the complement: ERCC2 is on the minus strand). VCF-style: chr19-45370184-G-C. GRCh37 (hg19) VCF-style: chr19-45873442-G-C.
Other names: c.-19C>G (NM_001130867.2, NM_001440355.1); c.54C>G, p.Tyr18Ter (NM_001440356.1); c.-19+352C>G (NM_001440357.1); short protein forms Y18*.
Identifiers: ClinVar variation 5015741 (VCV005015741.1).